The following is an entry in ClinVar:

ClinVar aggregate classification (germline): Uncertain significance (1 of 4 stars; one submission).

Conditions:
Mitochondrial complex I deficiency, nuclear type 4. Also called: Mitochondrial complex 1 deficiency, nuclear type 4. Identifiers: MedGen C4748753, MONDO:0032609, OMIM 618225.

gnomAD v4.1: 1 of 1,614,236 alleles (0.000062%); highest among the groups gnomAD compares: Non-Finnish European, 0.000085%; no homozygotes.

Submission:

Laboratorio de Genetica e Diagnostico Molecular, Hospital Israelita Albert Einstein
Classification: Uncertain significance for Mitochondrial complex I deficiency, nuclear type 4. Last evaluated: 2024-09-27. Review status: criteria provided, single submitter. Criteria: ACMG Guidelines, 2015. Collection method: clinical testing. Allele origin: germline. Affected: yes.
Comment: ACMG classification criteria: PM2 supporting, PP3 supporting

NM_007103.4(NDUFV1):c.770G>C (p.Arg257Pro)

Gene: NDUFV1 (NADH:ubiquinone oxidoreductase core subunit V1; plus strand). Cytogenetic location: 11q13.2.
Variant type: single nucleotide variant.
Coding change: c.770G>C on transcript NM_007103.4 (MANE Select); coding-DNA position 770, G replaced by C.
Protein change: p.Arg257Pro; replaces arginine 257 with proline.
Molecular consequence: missense variant.
Genome position (GRCh38, 1-based): chr11:67,611,064, G>C. VCF-style: chr11-67611064-G-C. GRCh37 (hg19) VCF-style: chr11-67378535-G-C.
Other names: c.743G>C, p.Arg248Pro (NM_001166102.2); short protein forms R248P, R257P.
Identifiers: ClinVar variation 4056647 (VCV004056647.1).